The following is an entry in ClinVar:

ClinVar aggregate classification (germline): Likely benign (1 of 4 stars; one submission).

Allele frequency attached by ClinVar (database versions not stated): gnomAD 0.01519 and 0.01434; TOPMed 0.01592; 1000 Genomes Project 0.01697.
gnomAD v4.1: 2,084 of 146,024 alleles (1.4%); highest among the groups gnomAD compares: African/African-American, 5.2%; 38 homozygotes.

Submission:

GeneDx
Classification: Likely benign. Last evaluated: 2018-06-18. Review status: criteria provided, single submitter. Criteria: GeneDx Variant Classification (06012015). Collection method: clinical testing. Allele origin: germline. Affected: yes.
Comment: This variant is considered likely benign or benign based on one or more of the following criteria: it is a conservative change, it occurs at a poorly conserved position in the protein, it is predicted to be benign by multiple in silico algorithms, and/or has population frequency not consistent with disease.

NM_000179.3(MSH6):c.3646+166A>C

Gene: MSH6 (mutS homolog 6; plus strand). Cytogenetic location: 2p16.3.
Variant type: single nucleotide variant.
Coding change: c.3646+166A>C on transcript NM_000179.3 (MANE Select); 166 bases into the intron after coding-DNA position 3646, A replaced by C.
Molecular consequence: intron variant.
Genome position (GRCh38, 1-based): chr2:47,805,873, A>C. VCF-style: chr2-47805873-A-C. GRCh37 (hg19) VCF-style: chr2-48033012-A-C.
Other names: c.2740+166A>C (NM_001281493.2, NM_001281494.2); c.3256+166A>C (NM_001281492.2).
Identifiers: ClinVar variation 676996 (VCV000676996.1), dbSNP rs113953008, ClinGen allele CA46718991.